The following is an entry in ClinVar:

NC_000011.10:g.(?_2570628)_(2572986_?)del

Gene: KCNQ1 (potassium voltage-gated channel subfamily Q member 1; plus strand). Cytogenetic location: 11p15.5.
Variant type: Deletion.
Identifiers: ClinVar variation 417343 (VCV000417343.2).

ClinVar aggregate classification (germline): Pathogenic (1 of 4 stars; one submission).

Conditions:
Long QT syndrome (LQTS). Identifiers: MedGen C0023976, MeSH D008133, MONDO:0002442. Disease mechanism: loss of function. Inheritance: Various modes of inheritance.

Submission:

Labcorp Genetics (formerly Invitae), Labcorp
Classification: Pathogenic for Long QT syndrome. Last evaluated: 2019-04-09. Review status: criteria provided, single submitter. Criteria: Invitae Variant Classification Sherloc (09022015). Collection method: clinical testing. Allele origin: germline.
Comment: This variant is an in-frame deletion of the genomic region encompassing exons 3-6 of the KCNQ1 gene. It preserves the integrity of the reading frame. Similar deletions of exons 3-6 have been reported in individuals affected with long QT syndrome (Invitae). Several missense substitutions located in exons 3-6 (p.Gly168Arg, p.Arg174Cys, p.Ala178Thr, p.Arg190Gln, and others) have been determined to be pathogenic (PMID: 9693036, 17905336, 10973849, 9386136, 23392653, 23130128, 9024139, 22456477, 10973849, 24912595, 8528244, 10728423, 20660394). This suggests that this region is critical for KCNQ1 protein function and that its deletion may also be pathogenic. For these reasons, this variant has been classified as Pathogenic.

Literature cited by the submitters: PubMed 8528244; PubMed 9693036; PubMed 20660394; PubMed 23392653; PubMed 10728423; PubMed 10973849; PubMed 24912595; PubMed 22456477; PubMed 23130128; PubMed 9024139; PubMed 17905336; PubMed 9386136.